The following is an entry in ClinVar:

NM_004247.4(EFTUD2):c.1994C>T (p.Thr665Met)

Gene: EFTUD2 (elongation factor Tu GTP binding domain containing 2; minus strand). Cytogenetic location: 17q21.31.
Variant type: single nucleotide variant.
Coding change: c.1994C>T on transcript NM_004247.4 (MANE Select); coding-DNA position 1994, C replaced by T.
Protein change: p.Thr665Met; replaces threonine 665 with methionine.
Molecular consequence: missense variant.
Genome position (GRCh38, 1-based): chr17:44,857,126, G>A on the plus strand (C>T on the coding strand, the complement: EFTUD2 is on the minus strand). VCF-style: chr17-44857126-G-A. GRCh37 (hg19) VCF-style: chr17-42934494-G-A.
Other names: c.1889C>T, p.Thr630Met (NM_001142605.2); c.1994C>T, p.Thr665Met (NM_001258353.2); c.1964C>T, p.Thr655Met (NM_001258354.2); c.1994C>T (NM_004247.3); short protein forms T630M, T655M, T665M.
Identifiers: ClinVar variation 1679679 (VCV001679679.3), dbSNP rs2050571775, ClinGen allele CA399844903.

ClinVar aggregate classification (germline): Conflicting classifications of pathogenicity. Review status: criteria provided, conflicting classifications (1 of 4 stars). 3 submissions from 3 submitters: Likely pathogenic (1); Uncertain significance (2). Last evaluated 2024-04-24.

Conditions:
Mandibulofacial dysostosis-microcephaly syndrome (MFDGA). Also called: Mandibulofacial dysostosis, Guion-Almeida type; Growth and mental retardation, mandibulofacial dysostosis, microcephaly, and cleft palate. Identifiers: Orphanet 79113, MedGen C1864652, MONDO:0012516, OMIM 610536.

Allele frequency attached by ClinVar (database versions not stated): gnomAD 0.00001.
gnomAD v4.1: 1 of 1,613,872 alleles (0.000062%); highest among the groups gnomAD compares: African/African-American, 0.0013%; no homozygotes.

Submissions (3):

Laboratorio de Genetica e Diagnostico Molecular, Hospital Israelita Albert Einstein
Classification: Uncertain significance for Mandibulofacial dysostosis-microcephaly syndrome. Last evaluated: 2024-04-24. Review status: criteria provided, single submitter. Criteria: ACMG Guidelines, 2015. Collection method: clinical testing. Allele origin: germline. Affected: yes.
Comment: ACMG classification criteria: PM2 supporting, PP2 supporting

GeneDx
Classification: Likely pathogenic. Last evaluated: 2024-03-27. Review status: criteria provided, single submitter. Criteria: GeneDx Variant Classification Process June 2021. Collection method: clinical testing. Allele origin: germline. Affected: yes.
Comment: De novo variant with confirmed parentage in a patient in published literature from a cohort of individuals with developmental disorders; however, detailed clinical information was not provided and de novo variants in other genes were also reported (PMID: 33057194); Not observed at significant frequency in large population cohorts (gnomAD); In silico analysis supports that this missense variant has a deleterious effect on protein structure/function; This variant is associated with the following publications: (PMID: 35982159, 33057194)

New York Genome Center
Classification: Uncertain significance for Mandibulofacial dysostosis-microcephaly syndrome. Last evaluated: 2021-05-24. Review status: criteria provided, single submitter. Criteria: NYGC Assertion Criteria 2020. Collection method: clinical testing. Allele origin: germline. Observed: 1 heterozygote. Study: CSER-NYCKidSeq.
Comment: The heterozygous missense variant c.1994C>T, p.Thr665Met in the EFTUD2 gene has not been reported in the available literature. The variant is not present in the gnomAD database, indicating this is a rare allele. In silico tools, predict conflicting evidence of pathogenicity. Based on the available evidence, the c.1994C>T, p.Thr665Met variant in the EFTUD2 gene is classified as a variant of uncertain significance